The following is an entry in ClinVar:

NM_007078.3(LDB3):c.1248C>T (p.Tyr416=)

Gene: LDB3 (LIM domain binding 3; plus strand). Cytogenetic location: 10q23.2.
Variant type: single nucleotide variant.
Coding change: c.1248C>T on transcript NM_007078.3 (MANE Select); coding-DNA position 1248, C replaced by T.
Protein change: p.Tyr416=; no amino-acid change (tyrosine 416 retained).
Molecular consequence: synonymous variant.
Genome position (GRCh38, 1-based): chr10:86,716,343, C>T. VCF-style: chr10-86716343-C-T. GRCh37 (hg19) VCF-style: chr10-88476100-C-T.
Other names: c.918C>T, p.Tyr306= (NM_001080114.2); c.1263C>T, p.Tyr421= (NM_001171610.2); c.1059C>T, p.Tyr353= (NM_001368064.1, NM_001368065.1); c.1107C>T, p.Tyr369= (NM_001368066.1).
Identifiers: ClinVar variation 2889296 (VCV002889296.3), dbSNP rs2492807084, ClinGen allele CA470374450.
Genomic context (GRCh38, chr10:86,716,343, plus strand): 5'-AATTCCTGACACACCTTTCTTTGGGTTTTTTTTGGCTTTTGCAGTGCCTGCATCTACCTA[C>T]AGCCCGTCCCCAGGGGCCAATTACAGTCCCACTCCCTACACCCCCTCCCCTGCCCCTGCC-3'
Protein context (NP_009009.1, residues 406-426): SVYQPVPAST[Tyr416=]SPSPGANYSP

ClinVar aggregate classification (germline): Uncertain significance (1 of 4 stars; one submission).

Conditions:
Myofibrillar myopathy 4. Also called: Zaspopathy (type). Identifiers: Orphanet 98912, MedGen C4721886, MONDO:0012277, OMIM 609452.

Allele frequency attached by ClinVar (database versions not stated): gnomAD exomes below 0.00001.
gnomAD v4.1: 1 of 1,611,596 alleles (0.000062%); highest among the groups gnomAD compares: Non-Finnish European, 0.000085%; no homozygotes.

Submission:

Labcorp Genetics (formerly Invitae), Labcorp
Classification: Uncertain significance for Myofibrillar myopathy 4. Last evaluated: 2023-09-27. Review status: criteria provided, single submitter. Criteria: Invitae Variant Classification Sherloc (09022015). Collection method: clinical testing. Allele origin: germline.
Comment: Experimental studies and prediction algorithms are not available or were not evaluated, and the functional significance of this variant is currently unknown. This variant has not been reported in the literature in individuals affected with LDB3-related conditions. This variant is not present in population databases (gnomAD no frequency). This sequence change affects codon 416 of the LDB3 mRNA. It is a 'silent' change, meaning that it does not change the encoded amino acid sequence of the LDB3 protein. The LDB3 gene has multiple clinically relevant transcripts. This variant occurs in alternate transcript NM_007078.3, and corresponds to NM_001080116.1:c.*16969C>T in the primary transcript. In summary, the available evidence is currently insufficient to determine the role of this variant in disease. Therefore, it has been classified as a Variant of Uncertain Significance.